The following is an entry in ClinVar:

ClinVar aggregate classification (germline): Pathogenic (1 of 4 stars; one submission).

Conditions:
Early-infantile DEE. Also called: Ohtahara syndrome; Early infantile epileptic encephalopathy with suppression bursts; Early infantile epileptic encephalopathy. Identifiers: Orphanet 1934, MedGen C0393706, MONDO:0800491.

Submission:

Labcorp Genetics (formerly Invitae), Labcorp
Classification: Pathogenic for Early-infantile DEE. Last evaluated: 2020-12-25. Review status: criteria provided, single submitter. Criteria: Invitae Variant Classification Sherloc (09022015). Collection method: clinical testing. Allele origin: germline.
Comment: For these reasons, this variant has been classified as Pathogenic. This variant has not been reported in the literature in individuals with KCNQ2-related conditions. This variant is not present in population databases (ExAC no frequency). This sequence change creates a premature translational stop signal (p.Thr234Hisfs*25) in the KCNQ2 gene. It is expected to result in an absent or disrupted protein product. Loss-of-function variants in KCNQ2 are known to be pathogenic (PMID: 14534157, 23692823, 27779742).

Literature cited by the submitters: PubMed 14534157; PubMed 23692823; PubMed 27779742.

NM_172107.4(KCNQ2):c.699_709del (p.Thr234fs)

Gene: KCNQ2 (potassium voltage-gated channel subfamily Q member 2; minus strand). Cytogenetic location: 20q13.33.
Variant type: Deletion.
Coding change: c.699_709del on transcript NM_172107.4 (MANE Select); coding-DNA positions 699 to 709, 11 bases deleted (CACTGCCTGGT).
Protein change: p.Thr234fs; shifts the reading frame from threonine 234.
Molecular consequence: frameshift variant.
Genome position (GRCh38, 1-based): chr20:63,442,513-63,442,523, ACCAGGCAGTG deleted on the plus strand (CACTGCCTGGT on the coding strand, the reverse complement: KCNQ2 is on the minus strand); deleting any 11 consecutive bases within chr20:63,442,513-63,442,528 gives the same sequence; the c. name uses the placement nearest the transcript's 3' end. VCF-style (leftmost placement, unchanged base first): chr20-63442512-TACCAGGCAGTG-T. GRCh37 (hg19) VCF-style: chr20-62073865-TACCAGGCAGTG-T.
Other names: c.699_709del, p.Thr234fs (NM_001382235.1, NM_004518.6, NM_172106.3 and 2 more transcripts); short protein forms T234fs.
Identifiers: ClinVar variation 1071682 (VCV001071682.8), dbSNP rs2145736578, ClinGen allele CA2499225812.
Genomic context (GRCh38, chr20:63,442,512, plus strand): 5'-TCCCCCTTCTCTGCCAAGTACACCAGGAACGAGGCCAGGATGAGACAAAGGAAGCCGATG[TACCAGGCAGTG>T]ACCAGCTCCTGAGAGGCAGACGGCACCACCATCATGACCACCATCACCAGAAGCATCACC-3'